The following is an entry in ClinVar:

ClinVar aggregate classification (germline): Uncertain significance (1 of 4 stars; one submission).

Conditions:
Hereditary spastic paraplegia 64. Also called: Spastic paraplegia 64, autosomal recessive; ENTPD1-Related Neurodevelopmental Disorder. Identifiers: Orphanet 401810, MedGen C3810289, MONDO:0014303, OMIM 615683.

Allele frequency attached by ClinVar (database versions not stated): gnomAD exomes below 0.00001 and 0.00001; TOPMed below 0.00001; ExAC 0.00002.
gnomAD v4.1: 6 of 1,612,158 alleles (0.00037%); highest among the groups gnomAD compares: Non-Finnish European, 0.00051%; no homozygotes.

Submission:

Labcorp Genetics (formerly Invitae), Labcorp
Classification: Uncertain significance for Hereditary spastic paraplegia 64. Last evaluated: 2021-07-31. Review status: criteria provided, single submitter. Criteria: Invitae Variant Classification Sherloc (09022015). Collection method: clinical testing. Allele origin: germline.
Comment: This sequence change falls in intron 8 of the ENTPD1 gene. It does not directly change the encoded amino acid sequence of the ENTPD1 protein. It affects a nucleotide within the consensus splice site of the intron. This variant is present in population databases (rs780832950, ExAC 0.003%). This variant has not been reported in the literature in individuals affected with ENTPD1-related conditions. Nucleotide substitutions within the consensus splice site are a relatively common cause of aberrant splicing (PMID: 17576681, 9536098). Algorithms developed to predict the effect of sequence changes on RNA splicing suggest that this variant is not likely to affect RNA splicing. In summary, the available evidence is currently insufficient to determine the role of this variant in disease. Therefore, it has been classified as a Variant of Uncertain Significance.

Literature cited by the submitters: PubMed 17576681; PubMed 9536098.

NM_001776.6(ENTPD1):c.1188+4A>G

Genes: ENTPD1-AS1 (ENTPD1 antisense RNA 1; minus strand), ENTPD1 (ectonucleoside triphosphate diphosphohydrolase 1; plus strand). Cytogenetic location: 10q24.1.
Variant type: single nucleotide variant.
Coding change: c.1188+4A>G on transcript NM_001776.6 (MANE Select); 4 bases into the intron after coding-DNA position 1188, A replaced by G.
Molecular consequence: intron variant.
Genome position (GRCh38, 1-based): chr10:95,860,586, A>G. VCF-style: chr10-95860586-A-G. GRCh37 (hg19) VCF-style: chr10-97620343-A-G.
Other names: c.1209+4A>G (NM_001098175.2); c.864+4A>G (NM_001312654.1, NM_001164181.1); c.1224+4A>G (NM_001164178.1, NM_001320916.1); c.1065+4A>G (NM_001164179.2); c.774+4A>G (NM_001164182.2, NM_001164183.2).
Identifiers: ClinVar variation 1505933 (VCV001505933.6), dbSNP rs780832950, ClinGen allele CA5621562.
Genomic context (GRCh38, chr10:95,860,586, plus strand): 5'-TCTCAGGAAAAGGTGACTGAGATGATGAAAAAGTTCTGTGCTCAGCCTTGGGAGGAGGTA[A>G]GTGACTAGGCACAGCAGCTCTAACAGCATGAGTGCCCTGTGTCGTTGCTGATGCAGAGGA-3'